The following is an entry in ClinVar:

ClinVar aggregate classification (germline): Uncertain significance. Review status: criteria provided, multiple submitters, no conflicts (2 of 4 stars). 2 submissions from 2 submitters: Uncertain significance (2). Last evaluated 2023-04-22.

Conditions:
Charcot-Marie-Tooth disease. Also called: Charcot-Marie-Tooth Hereditary Neuropathy; Charcot-Marie-Tooth Neuropathy. Identifiers: Orphanet 166, MedGen C0007959, MONDO:0015626.
Charcot-Marie-Tooth disease type 2E (CMT2E). Also called: CHARCOT-MARIE-TOOTH DISEASE, AXONAL, TYPE 2E; CHARCOT-MARIE-TOOTH NEUROPATHY, TYPE 2E. Identifiers: Orphanet 99939, MedGen C1843225, MONDO:0011894, OMIM 607684.

Allele frequency attached by ClinVar (database versions not stated): gnomAD exomes below 0.00001 and 0.00001.
gnomAD v4.1: 9 of 1,610,960 alleles (0.00056%); highest among the groups gnomAD compares: Non-Finnish European, 0.00076%; no homozygotes.

Submissions (2):

Labcorp Genetics (formerly Invitae), Labcorp
Classification: Uncertain significance for Charcot-Marie-Tooth disease type 2E. Last evaluated: 2023-04-22. Review status: criteria provided, single submitter. Criteria: Invitae Variant Classification Sherloc (09022015). Collection method: clinical testing. Allele origin: germline.
Comment: ClinVar contains an entry for this variant (Variation ID: 916810). In summary, the available evidence is currently insufficient to determine the role of this variant in disease. Therefore, it has been classified as a Variant of Uncertain Significance. Advanced modeling of protein sequence and biophysical properties (such as structural, functional, and spatial information, amino acid conservation, physicochemical variation, residue mobility, and thermodynamic stability) performed at Invitae indicates that this missense variant is not expected to disrupt NEFL protein function. This missense change has been observed in individual(s) with clinical features of NEFL-related conditions (PMID: 32376792). This variant is not present in population databases (gnomAD no frequency). This sequence change replaces alanine, which is neutral and non-polar, with serine, which is neutral and polar, at codon 102 of the NEFL protein (p.Ala102Ser).

Molecular Genetics Laboratory, London Health Sciences Centre
Classification: Uncertain significance for Charcot-Marie-Tooth disease. Review status: criteria provided, single submitter. Criteria: ACMG Guidelines, 2015. Collection method: clinical testing. Allele origin: germline. Affected: yes.

Literature cited by the submitters: PubMed 32376792 (cited by Labcorp Genetics (formerly Invitae), Labcorp).

NM_006158.5(NEFL):c.304G>T (p.Ala102Ser)

Gene: NEFL (neurofilament light chain; minus strand). Cytogenetic location: 8p21.2.
Variant type: single nucleotide variant.
Coding change: c.304G>T on transcript NM_006158.5 (MANE Select); coding-DNA position 304, G replaced by T.
Protein change: p.Ala102Ser; replaces alanine 102 with serine.
Molecular consequence: missense variant.
Genome position (GRCh38, 1-based): chr8:24,956,212, C>A on the plus strand (G>T on the coding strand, the complement: NEFL is on the minus strand). VCF-style: chr8-24956212-C-A. GRCh37 (hg19) VCF-style: chr8-24813726-C-A.
Other names: short protein forms A102S.
Identifiers: ClinVar variation 916810 (VCV000916810.4), dbSNP rs1323026981, ClinGen allele CA370622858.
Genomic context (GRCh38, chr8:24,956,212, plus strand): 5'-GCTCGGCTTCCAGGACCTTGTTCTGCTGCTCCAGCTCGTGCACGCGCTCGATGAAGCTGG[C>A]GAAGCGGTCATTGAGGTCCTGGAGCTGCGCCTTCTCCTGCGTGCGGATGGACTTGAGGTC-3'
Protein context (NP_006149.2, residues 92-112): AQLQDLNDRF[Ala102Ser]SFIERVHELE